The following is an entry in ClinVar:

NM_004984.4(KIF5A):c.583G>A (p.Val195Ile)

Gene: KIF5A (kinesin family member 5A; plus strand). Cytogenetic location: 12q13.3.
Variant type: single nucleotide variant.
Coding change: c.583G>A on transcript NM_004984.4 (MANE Select); coding-DNA position 583, G replaced by A.
Protein change: p.Val195Ile; replaces valine 195 with isoleucine.
Molecular consequence: missense variant.
Genome position (GRCh38, 1-based): chr12:57,567,207, G>A. VCF-style: chr12-57567207-G-A. GRCh37 (hg19) VCF-style: chr12-57960990-G-A.
Other names: c.316G>A, p.Val106Ile (NM_001354705.2); short protein forms V106I, V195I.
Identifiers: ClinVar variation 2090027 (VCV002090027.4), dbSNP rs762585533, ClinGen allele CA385497972.

ClinVar aggregate classification (germline): Uncertain significance (1 of 4 stars; one submission).

Conditions:
Spastic paraplegia. Identifiers: MedGen C0037772, HP:0001258.

Submission:

Labcorp Genetics (formerly Invitae), Labcorp
Classification: Uncertain significance for Spastic paraplegia. Last evaluated: 2022-01-27. Review status: criteria provided, single submitter. Criteria: Invitae Variant Classification Sherloc (09022015). Collection method: clinical testing. Allele origin: germline.
Comment: This variant is not present in population databases (gnomAD no frequency). This sequence change replaces valine, which is neutral and non-polar, with isoleucine, which is neutral and non-polar, at codon 195 of the KIF5A protein (p.Val195Ile). This variant has not been reported in the literature in individuals affected with KIF5A-related conditions. Advanced modeling of protein sequence and biophysical properties (such as structural, functional, and spatial information, amino acid conservation, physicochemical variation, residue mobility, and thermodynamic stability) performed at Invitae indicates that this missense variant is not expected to disrupt KIF5A protein function. In summary, the available evidence is currently insufficient to determine the role of this variant in disease. Therefore, it has been classified as a Variant of Uncertain Significance.